The following is an entry in ClinVar:

NM_001690.4(ATP6V1A):c.1417G>A (p.Val473Ile)

Gene: ATP6V1A (ATPase H+ transporting V1 subunit A; plus strand). Cytogenetic location: 3q13.31.
Variant type: single nucleotide variant.
Coding change: c.1417G>A on transcript NM_001690.4 (MANE Select); coding-DNA position 1417, G replaced by A.
Protein change: p.Val473Ile; replaces valine 473 with isoleucine.
Molecular consequence: missense variant.
Genome position (GRCh38, 1-based): chr3:113,798,369, G>A. VCF-style: chr3-113798369-G-A. GRCh37 (hg19) VCF-style: chr3-113517216-G-A.
Other names: short protein forms V473I.
Identifiers: ClinVar variation 2654051 (VCV002654051.24), dbSNP rs1419548528, ClinGen allele CA354020014.
Genomic context (GRCh38, chr3:113,798,369, plus strand): 5'-AGCTACAGCAAGTATATGCGTGCCTTGGATGAATACTATGACAAACACTTCACAGAGTTC[G>A]TTCCTCTGAGGACGAAAGCTAAGGAAATTCTGCAGGAAGAAGAAGACCTGGCAGAAATTG-3'
Protein context (NP_001681.2, residues 463-483): EYYDKHFTEF[Val473Ile]PLRTKAKEIL

ClinVar aggregate classification (germline): Uncertain significance (1 of 4 stars; one submission).

Allele frequency attached by ClinVar (database versions not stated): gnomAD 0.00001; gnomAD exomes 0.00001.
gnomAD v4.1: 15 of 1,613,764 alleles (0.00093%); highest among the groups gnomAD compares: Admixed American, 0.0017%; no homozygotes.

Submission:

CeGaT Center for Human Genetics Tuebingen
Classification: Uncertain significance. Last evaluated: 2022-10-01. Review status: criteria provided, single submitter. Criteria: CeGaT Center For Human Genetics Tuebingen Variant Classification Criteria Version 2. Collection method: clinical testing. Allele origin: germline. Affected: yes. Observed: 1 variant allele.
Comment: ATP6V1A: PP2, PP3